The following is an entry in ClinVar:

NM_000297.4(PKD2):c.*837C>G

Gene: PKD2 (polycystin 2, transient receptor potential cation channel; plus strand). Cytogenetic location: 4q22.1.
Variant type: single nucleotide variant.
Coding change: c.*837C>G on transcript NM_000297.4 (MANE Select); 837 bases downstream of the stop codon, C replaced by G.
Molecular consequence: 3 prime UTR variant. On other transcripts: non-coding transcript variant (1).
Genome position (GRCh38, 1-based): chr4:88,076,531, C>G. VCF-style: chr4-88076531-C-G. GRCh37 (hg19) VCF-style: chr4-88997683-C-G.
Identifiers: ClinVar variation 350044 (VCV000350044.5), dbSNP rs77638442, ClinGen allele CA10621903.

ClinVar aggregate classification (germline): Likely benign (1 of 4 stars; one submission).

Conditions:
Polycystic kidney disease 2 (PKD2). Also called: Polycystic Kidney Disease 2, Autosomal Dominant; POLYCYSTIC KIDNEY DISEASE, ADULT, TYPE II; POLYCYSTIC KIDNEY DISEASE 2 WITH OR WITHOUT POLYCYSTIC LIVER DISEASE. Identifiers: MedGen C2751306, MONDO:0013131, OMIM 613095.

Allele frequency attached by ClinVar (database versions not stated): 1000 Genomes Project 0.01018; gnomAD 0.01049 and 0.01121; 1000 Genomes Project 30x 0.01124; TOPMed 0.01139.

Submission:

Illumina Laboratory Services, Illumina
Classification: Likely benign for Polycystic kidney disease 2. Last evaluated: 2018-01-12. Review status: criteria provided, single submitter. Criteria: ICSL Variant Classification Criteria 13 December 2019. Collection method: clinical testing. Allele origin: germline.
Comment: This variant was observed in the ICSL laboratory as part of a predisposition screen in an ostensibly healthy population. It had not been previously curated by ICSL or reported in the Human Gene Mutation Database (HGMD: prior to June 1st, 2018), and was therefore a candidate for classification through an automated scoring system. Utilizing variant allele frequency, disease prevalence and penetrance estimates, and inheritance mode, an automated score was calculated to assess if this variant is too frequent to cause the disease. Based on the score and internal cut-off values, a variant classified as likely benign is not then subjected to further curation. The score for this variant resulted in a classification of likely benign for this disease.